The following is an entry in ClinVar:

NM_000435.3(NOTCH3):c.6016A>T (p.Arg2006Trp)

Gene: NOTCH3 (notch receptor 3; minus strand). Cytogenetic location: 19p13.12.
Variant type: single nucleotide variant.
Coding change: c.6016A>T on transcript NM_000435.3 (MANE Select); coding-DNA position 6016, A replaced by T.
Protein change: p.Arg2006Trp; replaces arginine 2006 with tryptophan.
Molecular consequence: missense variant.
Genome position (GRCh38, 1-based): chr19:15,161,612, T>A on the plus strand (A>T on the coding strand, the complement: NOTCH3 is on the minus strand). VCF-style: chr19-15161612-T-A. GRCh37 (hg19) VCF-style: chr19-15272423-T-A.
Other names: short protein forms R2006W.
Identifiers: ClinVar variation 1256532 (VCV001256532.3), dbSNP rs375674115, ClinGen allele CA305758794.

ClinVar aggregate classification (germline): Uncertain significance (1 of 4 stars; one submission).

Allele frequency attached by ClinVar (database versions not stated): ESP Exome Variant Server 0.00008; gnomAD exomes below 0.00001; TOPMed below 0.00001.

Submission:

Athena Diagnostics
Classification: Uncertain significance. Last evaluated: 2020-11-16. Review status: criteria provided, single submitter. Criteria: Athena Diagnostics criteria. Collection method: clinical testing. Allele origin: unknown.